The following is an entry in ClinVar:

ClinVar aggregate classification (germline): Uncertain significance (1 of 4 stars; one submission).

Submission:

Labcorp Genetics (formerly Invitae), Labcorp
Classification: Uncertain significance. Last evaluated: 2022-07-13. Review status: criteria provided, single submitter. Criteria: Invitae Variant Classification Sherloc (09022015). Collection method: clinical testing. Allele origin: germline.
Comment: In summary, the available evidence is currently insufficient to determine the role of this variant in disease. Therefore, it has been classified as a Variant of Uncertain Significance. Algorithms developed to predict the effect of missense changes on protein structure and function (SIFT, PolyPhen-2, Align-GVGD) all suggest that this variant is likely to be tolerated. This variant has not been reported in the literature in individuals affected with LONP1-related conditions. This variant is not present in population databases (gnomAD no frequency). This sequence change replaces glutamic acid, which is acidic and polar, with aspartic acid, which is acidic and polar, at codon 287 of the LONP1 protein (p.Glu287Asp).

NM_004793.4(LONP1):c.861G>C (p.Glu287Asp)

Gene: LONP1 (lon peptidase 1, mitochondrial; minus strand). Cytogenetic location: 19p13.3.
Variant type: single nucleotide variant.
Coding change: c.861G>C on transcript NM_004793.4 (MANE Select); coding-DNA position 861, G replaced by C.
Protein change: p.Glu287Asp; replaces glutamic acid 287 with aspartic acid.
Molecular consequence: missense variant. On other transcripts: non-coding transcript variant (1).
Genome position (GRCh38, 1-based): chr19:5,711,780, C>G on the plus strand (G>C on the coding strand, the complement: LONP1 is on the minus strand). VCF-style: chr19-5711780-C-G. GRCh37 (hg19) VCF-style: chr19-5711791-C-G.
Other names: c.669G>C, p.Glu223Asp (NM_001276479.2); c.273G>C, p.Glu91Asp (NM_001276480.1); short protein forms E91D, E223D, E287D.
Identifiers: ClinVar variation 2016537 (VCV002016537.4), dbSNP rs2512422287, ClinGen allele CA403538496.